The following is an entry in ClinVar:

ClinVar aggregate classification (germline): Uncertain significance. Review status: criteria provided, multiple submitters, no conflicts (2 of 4 stars). 2 submissions from 2 submitters: Uncertain significance (2). Last evaluated 2026-04-02.

Conditions:
Cardiovascular phenotype. Identifiers: MedGen CN230736.

gnomAD v4.1: 1 of 1,614,108 alleles (0.000062%); highest among the groups gnomAD compares: Admixed American, 0.0017%; no homozygotes.

Submissions (2):

Ambry Genetics
Classification: Uncertain significance for Cardiovascular phenotype. Last evaluated: 2026-04-02. Review status: criteria provided, single submitter. Criteria: Ambry Variant Classification Scheme 2023. Collection method: clinical testing. Allele origin: germline.
Comment: The p.P542L variant (also known as c.1625C>T), located in coding exon 12 of the ENG gene, results from a C to T substitution at nucleotide position 1625. The proline at codon 542 is replaced by leucine, an amino acid with similar properties. This amino acid position is conserved. In addition, the in silico prediction for this alteration is inconclusive. Based on the available evidence, the clinical significance of this variant remains unclear.

GeneDx
Classification: Uncertain significance. Last evaluated: 2024-12-17. Review status: criteria provided, single submitter. Criteria: GeneDx Variant Classification Process June 2021. Collection method: clinical testing. Allele origin: germline. Affected: yes.
Comment: Not observed at significant frequency in large population cohorts (gnomAD); In silico analysis supports that this missense variant has a deleterious effect on protein structure/function; Has not been previously published as pathogenic or benign to our knowledge

NM_001114753.3(ENG):c.1625C>T (p.Pro542Leu)

Genes: ENG (endoglin; minus strand), LOC102723566 (uncharacterized LOC102723566; plus strand). Cytogenetic location: 9q34.11.
Variant type: single nucleotide variant.
Coding change: c.1625C>T on transcript NM_001114753.3 (MANE Select); coding-DNA position 1625, C replaced by T.
Protein change: p.Pro542Leu; replaces proline 542 with leucine.
Molecular consequence: missense variant.
Genome position (GRCh38, 1-based): chr9:127,818,181, G>A on the plus strand (C>T on the coding strand, the complement: ENG is on the minus strand). VCF-style: chr9-127818181-G-A. GRCh37 (hg19) VCF-style: chr9-130580460-G-A.
Other names: c.1625C>T (NM_001114753.1); c.1625C>T, p.Pro542Leu (NM_000118.4); c.1079C>T, p.Pro360Leu (NM_001278138.2); short protein forms P360L, P542L.
Identifiers: ClinVar variation 3907824 (VCV003907824.2).